The following is an entry in ClinVar:

NM_002693.3(POLG):c.2392A>C (p.Ile798Leu)

Gene: POLG (DNA polymerase gamma, catalytic subunit; minus strand). Cytogenetic location: 15q26.1.
Variant type: single nucleotide variant.
Coding change: c.2392A>C on transcript NM_002693.3 (MANE Select); coding-DNA position 2392, A replaced by C.
Protein change: p.Ile798Leu; replaces isoleucine 798 with leucine.
Molecular consequence: missense variant.
Genome position (GRCh38, 1-based): chr15:89,322,776, T>G on the plus strand (A>C on the coding strand, the complement: POLG is on the minus strand). VCF-style: chr15-89322776-T-G. GRCh37 (hg19) VCF-style: chr15-89866007-T-G.
Other names: p.I798L:ATT>CTT; c.2392A>C, p.Ile798Leu (NM_001126131.2); short protein forms I798L.
Identifiers: ClinVar variation 206464 (VCV000206464.11), dbSNP rs796052873, ClinGen allele CA316588.

ClinVar aggregate classification (germline): Uncertain significance. Review status: criteria provided, multiple submitters, no conflicts (2 of 4 stars). 2 submissions from 2 submitters: Uncertain significance (2). Last evaluated 2022-07-25.

Conditions:
Progressive sclerosing poliodystrophy (MTDPS4A). Also called: ALPERS DIFFUSE DEGENERATION OF CEREBRAL GRAY MATTER WITH HEPATIC CIRRHOSIS; Alpers-Huttenlocher Syndrome; ALPERS PROGRESSIVE INFANTILE POLIODYSTROPHY; NEURONAL DEGENERATION OF CHILDHOOD WITH LIVER DISEASE, PROGRESSIVE; Mitochondrial DNA Depletion Syndrome 4A; Alpers-Huttenlocher Syndrome (AHS). Identifiers: Orphanet 726, MedGen C0205710, MONDO:0008758, OMIM 203700.

Allele frequency attached by ClinVar (database versions not stated): gnomAD exomes below 0.00001; gnomAD 0.00001.
gnomAD v4.1: 2 of 1,613,958 alleles (0.00012%); highest among the groups gnomAD compares: Admixed American, 0.0017%; no homozygotes.

Submissions (2):

Labcorp Genetics (formerly Invitae), Labcorp
Classification: Uncertain significance for Progressive sclerosing poliodystrophy. Last evaluated: 2022-07-25. Review status: criteria provided, single submitter. Criteria: Invitae Variant Classification Sherloc (09022015). Collection method: clinical testing. Allele origin: germline.
Comment: This sequence change replaces isoleucine, which is neutral and non-polar, with leucine, which is neutral and non-polar, at codon 798 of the POLG protein (p.Ile798Leu). This variant is not present in population databases (gnomAD no frequency). This variant has not been reported in the literature in individuals affected with POLG-related conditions. ClinVar contains an entry for this variant (Variation ID: 206464). Algorithms developed to predict the effect of missense changes on protein structure and function (SIFT, PolyPhen-2, Align-GVGD) all suggest that this variant is likely to be tolerated. In summary, the available evidence is currently insufficient to determine the role of this variant in disease. Therefore, it has been classified as a Variant of Uncertain Significance.

GeneDx
Classification: Uncertain significance. Last evaluated: 2019-02-11. Review status: criteria provided, single submitter. Criteria: GeneDx Variant Classification Process June 2021. Collection method: clinical testing. Allele origin: germline. Affected: yes.
Comment: Not observed in large population cohorts (Lek et al., 2016); In silico analysis, which includes protein predictors and evolutionary conservation, supports that this variant does not alter protein structure/function; Has not been previously published as pathogenic or benign to our knowledge